The following is an entry in ClinVar:

ClinVar aggregate classification (germline): Pathogenic (1 of 4 stars; one submission).

Conditions:
Pontocerebellar hypoplasia type 6 (PCH6). Identifiers: Orphanet 166073, MedGen C1969084, MONDO:0012683, OMIM 611523.

Submission:

Victorian Clinical Genetics Services, Murdoch Childrens Research Institute
Classification: Pathogenic for Pontocerebellar hypoplasia type 6. Last evaluated: 2024-06-11. Review status: criteria provided, single submitter. Criteria: ACMG Guidelines, 2015. Collection method: clinical testing. Allele origin: germline. Affected: yes.
Comment: This variant is classified as Pathogenic. Evidence in support of pathogenic classification: Intragenic copy number variant resulting in an out of frame deletion of exon 5 (of 20) and is predicted to cause nonsense-mediated decay (NMD) and loss of protein (premature termination codon is located at least 54 nucleotides upstream of the final exon-exon junction). This variant has limited previous evidence of pathogenicity in an unrelated individuals. A deletion involving exon 5 has been reported as pathogenic in ClinVar. Other NMD predicted variants comparable to the one identified in this case have very strong previous evidence for pathogenicity (DECIPHER). Additional information: Loss of function is a known mechanism of disease in this gene and is associated with pontocerebellar hypoplasia, type 6 (MIM#611523). This gene is associated with autosomal recessive disease. This variant is heterozygous. Variant is absent from gnomAD (SV v2).

NM_020320.5(RARS2):c.298-2570_395+341del

Gene: RARS2 (arginyl-tRNA synthetase 2, mitochondrial; minus strand). Cytogenetic location: 6q15.
Variant type: Deletion.
Coding change: c.298-2570_395+341del on transcript NM_020320.5 (MANE Select); 2570 bases into the intron before coding-DNA position 298 through 341 bases into the intron after coding-DNA position 395, 3,009 bases deleted.
Molecular consequence: splice acceptor variant, splice donor variant.
Genome position (GRCh38, 1-based): chr6:87,555,067-87,558,075, 3,009 bases deleted. GRCh37 (hg19): chr6:88,264,786-88,267,794.
Other names: c.298-2570_395+341del (NM_001350505.2); c.-172-2570_-75+341del (NM_001350509.2, NM_001318785.2); c.-228-2570_-131+341del (NM_001350506.2, NM_001350510.2, NM_001350511.2 and 1 more transcripts); c.-390-2570_-293+341del (NM_001350508.2).
Identifiers: ClinVar variation 4528930 (VCV004528930.1).